The following is an entry in ClinVar:

NM_001378452.1(ITPR1):c.4503C>A (p.Ser1501Arg)

Gene: ITPR1 (inositol 1,4,5-trisphosphate receptor type 1; plus strand). Cytogenetic location: 3p26.1.
Variant type: single nucleotide variant.
Coding change: c.4503C>A on transcript NM_001378452.1 (MANE Select); coding-DNA position 4503, C replaced by A.
Protein change: p.Ser1501Arg; replaces serine 1501 with arginine.
Molecular consequence: missense variant.
Genome position (GRCh38, 1-based): chr3:4,699,908, C>A. VCF-style: chr3-4699908-C-A. GRCh37 (hg19) VCF-style: chr3-4741592-C-A.
Other names: c.4476C>A, p.Ser1492Arg (NM_001099952.4); c.4458C>A, p.Ser1486Arg (NM_001168272.2); c.4431C>A, p.Ser1477Arg (NM_002222.7); short protein forms S1477R, S1486R, S1492R, S1501R.
Identifiers: ClinVar variation 3361603 (VCV003361603.1).

ClinVar aggregate classification (germline): Uncertain significance (1 of 4 stars; one submission).

gnomAD v4.1: 1 of 1,613,810 alleles (0.000062%); highest among the groups gnomAD compares: Non-Finnish European, 0.000085%; no homozygotes.

Submission:

GeneDx
Classification: Uncertain significance. Last evaluated: 2023-07-26. Review status: criteria provided, single submitter. Criteria: GeneDx Variant Classification Process June 2021. Collection method: clinical testing. Allele origin: germline. Affected: yes.
Comment: Not observed at significant frequency in large population cohorts (gnomAD); In silico analysis supports that this missense variant has a deleterious effect on protein structure/function; Has not been previously published as pathogenic or benign to our knowledge